The following is an entry in ClinVar:

ClinVar aggregate classification (germline): Conflicting classifications of pathogenicity. Review status: criteria provided, conflicting classifications (1 of 4 stars). 4 submissions from 4 submitters: Uncertain significance (1); Benign (1); Likely benign (1). 1 of the submissions does not count toward it. Last evaluated 2026-01-28.

Conditions:
GRIP1-related disorder. Also called: GRIP1-related condition.

Allele frequency attached by ClinVar (database versions not stated): gnomAD exomes 0.00012 and 0.00029; ExAC 0.00030; ESP Exome Variant Server 0.00058; gnomAD 0.00165 and 0.00172; TOPMed 0.00172; 1000 Genomes Project 30x 0.00219; 1000 Genomes Project 0.00220.
gnomAD v4.1: 430 of 1,614,078 alleles (0.027%); highest among the groups gnomAD compares: African/African-American, 0.48%; no homozygotes.

Submissions (4):

Labcorp Genetics (formerly Invitae), Labcorp
Classification: Benign. Last evaluated: 2026-01-28. Review status: criteria provided, single submitter. Criteria: Invitae Variant Classification Sherloc (09022015). Collection method: clinical testing. Allele origin: germline.

Blueprint Genetics
Classification: Likely benign. Last evaluated: 2024-10-09. Review status: criteria provided, single submitter. Criteria: ACMG Guidelines, 2015. Collection method: clinical testing. Allele origin: germline.

Eurofins Ntd Llc (ga)
Classification: Uncertain significance. Last evaluated: 2016-07-28. Review status: criteria provided, single submitter. Criteria: EGL Classification Definitions 2015. Collection method: clinical testing. Allele origin: germline. Observed: 1 variant allele, 1 heterozygote.

PreventionGenetics, part of Exact Sciences
Classification: Likely benign for GRIP1-related condition. Last evaluated: 2022-02-10. Review status: no assertion criteria provided. Collection method: clinical testing. Allele origin: germline. Not counted in ClinVar's aggregate classification.
Comment: This variant is classified as likely benign based on ACMG/AMP sequence variant interpretation guidelines (Richards et al. 2015 PMID: 25741868, with internal and published modifications).

NM_001366722.1(GRIP1):c.3207C>T (p.Pro1069=)

Gene: GRIP1 (glutamate receptor interacting protein 1; minus strand). Cytogenetic location: 12q14.3.
Variant type: single nucleotide variant.
Coding change: c.3207C>T on transcript NM_001366722.1 (MANE Select); coding-DNA position 3207, C replaced by T.
Protein change: p.Pro1069=; no amino-acid change (proline 1069 retained).
Molecular consequence: synonymous variant.
Genome position (GRCh38, 1-based): chr12:66,349,199, G>A on the plus strand (C>T on the coding strand, the complement: GRIP1 is on the minus strand). VCF-style: chr12-66349199-G-A. GRCh37 (hg19) VCF-style: chr12-66742979-G-A.
Other names: c.3006C>T, p.Pro1002= (NM_001178074.2); c.3126C>T, p.Pro1042= (NM_001366723.1); c.3129C>T, p.Pro1043= (NM_001366724.1); c.3051C>T, p.Pro1017= (NM_021150.4).
Identifiers: ClinVar variation 289625 (VCV000289625.17), dbSNP rs187691546, ClinGen allele CA6673901.